The following is an entry in ClinVar:

ClinVar aggregate classification (germline): Uncertain significance (1 of 4 stars; one submission).

Conditions:
CBL-related disorder. Also called: NOONAN SYNDROME-LIKE DISORDER WITHOUT JUVENILE MYELOMONOCYTIC LEUKEMIA; CBL MUTATION-ASSOCIATED SYNDROME; CBL SYNDROME. Identifiers: Orphanet 363972, MedGen C3150803, MONDO:0013308, OMIM 613563.
Juvenile myelomonocytic leukemia (JMML). Also called: LEUKEMIA, JUVENILE MYELOMONOCYTIC, SOMATIC. Identifiers: Orphanet 86834, MedGen C0349639, MONDO:0011908, OMIM 607785, HP:0012209.

Submission:

Juno Genomics, Hangzhou Juno Genomics, Inc
Classification: Uncertain significance for Juvenile myelomonocytic leukemia; CBL-related disorder. Review status: criteria provided, single submitter. Criteria: ACMG Guidelines, 2015. Collection method: clinical testing. Allele origin: germline.
Comment: Absent from controls (or at extremely low frequency if recessive) in Genome Aggregation Database.;Protein length changes due to in-frame deletions/insertions in a non-repeat region or stop-loss variants.;The prevalence of the variant in affected individuals is significantly increased compared to the prevalence in controls.

NM_005188.4(CBL):c.104_106dup (p.Pro35_His36insPro)

Genes: CBL (Cbl proto-oncogene; plus strand), LOC130006895 (ATAC-STARR-seq lymphoblastoid silent region 3975; plus strand). Cytogenetic location: 11q23.3.
Variant type: Duplication.
Coding change: c.104_106dup on transcript NM_005188.4 (MANE Select); coding-DNA positions 104 to 106, 3 bases duplicated (CGC; older notation c.104_106dupCGC).
Protein change: p.Pro35_His36insPro.
Molecular consequence: inframe insertion.
Genome position (GRCh38, 1-based): chr11:119,206,521-119,206,523, CGC duplicated; duplicating any 3 consecutive bases within chr11:119,206,519-119,206,523 gives the same sequence; the c. name uses the placement nearest the transcript's 3' end. VCF-style (leftmost placement, unchanged base first): chr11-119206518-A-AGCC. GRCh37 (hg19) VCF-style: chr11-119077228-A-AGCC.
Identifiers: ClinVar variation 5019770 (VCV005019770.2).